The following is an entry in ClinVar:

ClinVar aggregate classification (germline): Pathogenic (1 of 4 stars; one submission).

Submission:

GeneDx
Classification: Pathogenic. Last evaluated: 2016-01-18. Review status: criteria provided, single submitter. Criteria: GeneDx Variant Classification (06012015). Collection method: clinical testing. Allele origin: germline. Affected: yes.
Comment: The c.3589_3590delGA pathogenic variant in the RTTN gene has not been reported previously as a pathogenic variant nor as a benign variant, to our knowledge. This variant is predicted to cause loss of normal protein function either through protein truncation or nonsense-mediated mRNA decay. The c.3589_3590delGA variant was not observed in approximately 6000 individuals of European and African American ancestry in the NHLBI Exome Sequencing Project, indicating it is not a common benign variant in these populations. We interpret c.3589_3590delGA as a pathogenic variant.

NM_173630.4(RTTN):c.3589_3590del (p.Thr1196_Asp1197insTer)

Gene: RTTN (rotatin; minus strand). Cytogenetic location: 18q22.2.
Variant type: Deletion.
Coding change: c.3589_3590del on transcript NM_173630.4 (MANE Select); coding-DNA positions 3589 to 3590, 2 bases deleted (GA; older notation c.3589_3590delGA).
Protein change: p.Thr1196_Asp1197insTer.
Molecular consequence: nonsense.
Genome position (GRCh38, 1-based): chr18:70,114,538-70,114,539, TC deleted on the plus strand (GA on the coding strand, the reverse complement: RTTN is on the minus strand); deleting any 2 consecutive bases within chr18:70,114,538-70,114,540 gives the same sequence; the c. name uses the placement nearest the transcript's 3' end. VCF-style (leftmost placement, unchanged base first): chr18-70114537-ATC-A. GRCh37 (hg19) VCF-style: chr18-67781773-ATC-A.
Other names: c.853_854del, p.Thr284_Asp285insTer (NM_001318520.2).
Identifiers: ClinVar variation 280213 (VCV000280213.2), dbSNP rs886041460, ClinGen allele CA10603505.